The following is an entry in ClinVar:

NM_007078.3(LDB3):c.1835A>G (p.Lys612Arg)

Gene: LDB3 (LIM domain binding 3; plus strand). Cytogenetic location: 10q23.2.
Variant type: single nucleotide variant.
Coding change: c.1835A>G on transcript NM_007078.3 (MANE Select); coding-DNA position 1835, A replaced by G.
Protein change: p.Lys612Arg; replaces lysine 612 with arginine.
Molecular consequence: missense variant.
Genome position (GRCh38, 1-based): chr10:86,718,122, A>G. VCF-style: chr10-86718122-A-G. GRCh37 (hg19) VCF-style: chr10-88477879-A-G.
Other names: c.1505A>G, p.Lys502Arg (NM_001080114.2); c.1850A>G, p.Lys617Arg (NM_001171610.2); c.1646A>G, p.Lys549Arg (NM_001368064.1, NM_001368065.1); c.1694A>G, p.Lys565Arg (NM_001368066.1); short protein forms K565R, K502R, K612R, K549R, K617R.
Identifiers: ClinVar variation 1984908 (VCV001984908.4), dbSNP rs2492816750, ClinGen allele CA377452700.

ClinVar aggregate classification (germline): Uncertain significance (1 of 4 stars; one submission).

Conditions:
Myofibrillar myopathy 4. Also called: Zaspopathy (type). Identifiers: Orphanet 98912, MedGen C4721886, MONDO:0012277, OMIM 609452.

Submission:

Labcorp Genetics (formerly Invitae), Labcorp
Classification: Uncertain significance for Myofibrillar myopathy 4. Last evaluated: 2025-11-10. Review status: criteria provided, single submitter. Criteria: Invitae Variant Classification Sherloc (09022015). Collection method: clinical testing. Allele origin: germline.
Comment: The LDB3 gene has multiple clinically relevant transcripts. This variant occurs in alternate transcript NM_007078.3, and corresponds to NM_001080116.1:c.*18748A>G in the primary transcript. This sequence change replaces lysine, which is basic and polar, with arginine, which is basic and polar, at codon 612 of the LDB3 protein (p.Lys612Arg). This variant is not present in population databases (gnomAD no frequency). This variant has not been reported in the literature in individuals affected with LDB3-related conditions. Experimental studies and prediction algorithms are not available or were not evaluated, and the functional significance of this variant is currently unknown. In summary, the available evidence is currently insufficient to determine the role of this variant in disease. Therefore, it has been classified as a Variant of Uncertain Significance.